The following is an entry in ClinVar:

ClinVar aggregate classification (germline): Uncertain significance. Review status: criteria provided, multiple submitters, no conflicts (2 of 4 stars). 3 submissions from 3 submitters: Uncertain significance (2). 1 of the submissions does not count toward it. Last evaluated 2025-03-17.

Conditions:
PLXNA2-related disorder. Also called: PLXNA2-related condition.

Allele frequency attached by ClinVar (database versions not stated): gnomAD exomes 0.00003; gnomAD 0.00007; TOPMed 0.00009; ExAC 0.00011; 1000 Genomes Project 30x 0.00016; 1000 Genomes Project 0.00020; ESP Exome Variant Server 0.00023.
gnomAD v4.1: 53 of 1,614,164 alleles (0.0033%); highest among the groups gnomAD compares: African/African-American, 0.0093%; no homozygotes.

Submissions (3):

Labcorp Genetics (formerly Invitae), Labcorp
Classification: Uncertain significance. Last evaluated: 2025-03-17. Review status: criteria provided, single submitter. Criteria: Invitae Variant Classification Sherloc (09022015). Collection method: clinical testing. Allele origin: germline.
Comment: This sequence change replaces valine, which is neutral and non-polar, with isoleucine, which is neutral and non-polar, at codon 62 of the PLXNA2 protein (p.Val62Ile). This variant is present in population databases (rs150210905, gnomAD 0.03%). This variant has not been reported in the literature in individuals affected with PLXNA2-related conditions. ClinVar contains an entry for this variant (Variation ID: 1916224). Invitae Evidence Modeling of protein sequence and biophysical properties (such as structural, functional, and spatial information, amino acid conservation, physicochemical variation, residue mobility, and thermodynamic stability) indicates that this missense variant is not expected to disrupt PLXNA2 protein function with a negative predictive value of 80%. In summary, the available evidence is currently insufficient to determine the role of this variant in disease. Therefore, it has been classified as a Variant of Uncertain Significance.

Ambry Genetics
Classification: Uncertain significance. Last evaluated: 2024-01-23. Review status: criteria provided, single submitter. Criteria: Ambry Variant Classification Scheme 2023. Collection method: clinical testing. Allele origin: germline.

PreventionGenetics, part of Exact Sciences
Classification: Uncertain significance for PLXNA2-related condition. Last evaluated: 2024-02-26. Review status: no assertion criteria provided. Collection method: clinical testing. Allele origin: germline. Not counted in ClinVar's aggregate classification.
Comment: The PLXNA2 c.184G>A variant is predicted to result in the amino acid substitution p.Val62Ile. To our knowledge, this variant has not been reported in the literature. This variant is reported in 0.030% of alleles in individuals of East Asian descent in gnomAD. At this time, the clinical significance of this variant is uncertain due to the absence of conclusive functional and genetic evidence.

NM_025179.4(PLXNA2):c.184G>A (p.Val62Ile)

Gene: PLXNA2 (plexin A2; minus strand). Cytogenetic location: 1q32.2.
Variant type: single nucleotide variant.
Coding change: c.184G>A on transcript NM_025179.4 (MANE Select); coding-DNA position 184, G replaced by A.
Protein change: p.Val62Ile; replaces valine 62 with isoleucine.
Molecular consequence: missense variant.
Genome position (GRCh38, 1-based): chr1:208,217,739, C>T on the plus strand (G>A on the coding strand, the complement: PLXNA2 is on the minus strand). VCF-style: chr1-208217739-C-T. GRCh37 (hg19) VCF-style: chr1-208391084-C-T.
Other names: c.184G>A (NM_025179.3); short protein forms V62I.
Identifiers: ClinVar variation 1916224 (VCV001916224.8), dbSNP rs150210905, ClinGen allele CA1374115.